The following is an entry in ClinVar:

ClinVar aggregate classification (germline): Uncertain significance. Review status: criteria provided, multiple submitters, no conflicts (2 of 4 stars). 2 submissions from 2 submitters: Uncertain significance (2). Last evaluated 2025-12-16.

Conditions:
GPBAR1-related disorder. Also called: GPBAR1-related condition.

Allele frequency attached by ClinVar (database versions not stated): gnomAD exomes 0.00001; gnomAD 0.00002; TOPMed 0.00002.

Submissions (2):

PreventionGenetics, part of Exact Sciences
Classification: Uncertain significance for GPBAR1-related condition. Last evaluated: 2025-12-16. Review status: criteria provided, single submitter. Criteria: ACMG Guidelines, 2015. Collection method: clinical testing. Allele origin: germline.
Comment: The GPBAR1 c.128G>A variant is predicted to result in the amino acid substitution p.Arg43His. To our knowledge, this variant has not been reported in the literature. This variant is reported in 0.015% of alleles in individuals of East Asian descent in gnomAD. At this time, the clinical significance of this variant is uncertain due to the absence of conclusive functional and genetic evidence.

Ambry Genetics
Classification: Uncertain significance. Last evaluated: 2023-03-07. Review status: criteria provided, single submitter. Criteria: Ambry Variant Classification Scheme 2023. Collection method: clinical testing. Allele origin: germline.

NM_170699.3(GPBAR1):c.128G>A (p.Arg43His)

Gene: GPBAR1 (G protein-coupled bile acid receptor 1; plus strand). Cytogenetic location: 2q35.
Variant type: single nucleotide variant.
Coding change: c.128G>A on transcript NM_170699.3 (MANE Select); coding-DNA position 128, G replaced by A.
Protein change: p.Arg43His; replaces arginine 43 with histidine.
Molecular consequence: missense variant.
Genome position (GRCh38, 1-based): chr2:218,262,852, G>A. VCF-style: chr2-218262852-G-A. GRCh37 (hg19) VCF-style: chr2-219127575-G-A.
Other names: c.128G>A, p.Arg43His (NM_001077191.2, NM_001077194.2, NM_001321950.2); c.128G>A (NM_001321950.1); short protein forms R43H.
Identifiers: ClinVar variation 2473513 (VCV002473513.4), dbSNP rs907641202, ClinGen allele CA65740489.